The following is an entry in ClinVar:

ClinVar aggregate classification (germline): Uncertain significance (1 of 4 stars; one submission).

Conditions:
Megalencephaly-polymicrogyria-postaxial polydactyly-hydrocephalus syndrome. Also called: MPPH Syndrome; MEG-PMG-MEGACC SYNDROME. Identifiers: Orphanet 83473, MedGen C1863924, MONDO:0019375.

gnomAD v4.1: 2 of 1,613,494 alleles (0.00012%); highest among the groups gnomAD compares: South Asian, 0.0011%; no homozygotes.

Submission:

Labcorp Genetics (formerly Invitae), Labcorp
Classification: Uncertain significance for Megalencephaly-polymicrogyria-postaxial polydactyly-hydrocephalus syndrome. Last evaluated: 2025-10-03. Review status: criteria provided, single submitter. Criteria: Invitae Variant Classification Sherloc (09022015). Collection method: clinical testing. Allele origin: germline.
Comment: This sequence change replaces glutamic acid, which is acidic and polar, with lysine, which is basic and polar, at codon 342 of the PIK3R2 protein (p.Glu342Lys). This variant is present in population databases (no rsID available, gnomAD 0.006%). This variant has not been reported in the literature in individuals affected with PIK3R2-related conditions. Invitae Evidence Modeling of protein sequence and biophysical properties (such as structural, functional, and spatial information, amino acid conservation, physicochemical variation, residue mobility, and thermodynamic stability) has been performed for this missense variant. However, the output from this modeling did not meet the statistical confidence thresholds required to predict the impact of this variant on PIK3R2 protein function. In summary, the available evidence is currently insufficient to determine the role of this variant in disease. Therefore, it has been classified as a Variant of Uncertain Significance.

NM_005027.4(PIK3R2):c.1024G>A (p.Glu342Lys)

Gene: PIK3R2 (phosphoinositide-3-kinase regulatory subunit 2; plus strand). Cytogenetic location: 19p13.11.
Variant type: single nucleotide variant.
Coding change: c.1024G>A on transcript NM_005027.4 (MANE Select); coding-DNA position 1024, G replaced by A.
Protein change: p.Glu342Lys; replaces glutamic acid 342 with lysine.
Molecular consequence: missense variant. On other transcripts: non-coding transcript variant (2).
Genome position (GRCh38, 1-based): chr19:18,162,421, G>A. VCF-style: chr19-18162421-G-A. GRCh37 (hg19) VCF-style: chr19-18273231-G-A.
Other names: short protein forms E342K.
Identifiers: ClinVar variation 4774602 (VCV004774602.1).
Genomic context (GRCh38, chr19:18,162,421, plus strand): 5'-GGGGTCTCCAGGTGGCTCGGCAGTCCCAATGTTGGATGTTCCCACAGGGAGGAGGTGAAC[G>A]AGAAACTCCGGGACACTCCCGATGGCACCTTCCTAGTCCGAGATGCTTCTAGCAAGATCC-3'
Protein context (NP_005018.2, residues 332-352): WGDISREEVN[Glu342Lys]KLRDTPDGTF